The following is an entry in ClinVar:

NM_000069.3(CACNA1S):c.5577C>A (p.Asp1859Glu)

Gene: CACNA1S (calcium voltage-gated channel subunit alpha1 S; minus strand). Cytogenetic location: 1q32.1.
Variant type: single nucleotide variant.
Coding change: c.5577C>A on transcript NM_000069.3 (MANE Select); coding-DNA position 5577, C replaced by A.
Protein change: p.Asp1859Glu; replaces aspartic acid 1859 with glutamic acid.
Molecular consequence: missense variant.
Genome position (GRCh38, 1-based): chr1:201,039,876, G>T on the plus strand (C>A on the coding strand, the complement: CACNA1S is on the minus strand). VCF-style: chr1-201039876-G-T. GRCh37 (hg19) VCF-style: chr1-201009004-G-T.
Other names: short protein forms D1859E.
Identifiers: ClinVar variation 4787241 (VCV004787241.1).
Genomic context (GRCh38, chr1:201,039,876, plus strand): 5'-GATGCTGTGTGGGCATCACAGCCTTGGAGGAATAAGGGTCTCCTGGGAGCCCTGGTGTTG[G>T]TCGAGGCTGCCCAGGGAGGACCCGAGGTTCAGGCATCCCAGGGAGCTGGCCATGCCCTCT-3'
Protein context (NP_000060.2, residues 1849-1869): LNLGSSLGSL[Asp1859Glu]QHQGSQETLI

ClinVar aggregate classification (germline): Uncertain significance (1 of 4 stars; one submission).

Conditions:
Malignant hyperthermia, susceptibility to, 5 (MHS5). Also called: CACNA1S-Related Malignant Hyperthermia Susceptibility. Identifiers: Orphanet 423, MedGen C1866077, MONDO:0011163, OMIM 601887.
Hypokalemic periodic paralysis, type 1. Also called: HypoPP; Hypokalemic Periodic Paralysis Type 1 (AD). Identifiers: Orphanet 681, MedGen C3714580, MONDO:0042979, OMIM 170400.

Submission:

Labcorp Genetics (formerly Invitae), Labcorp
Classification: Uncertain significance for Hypokalemic periodic paralysis, type 1; Malignant hyperthermia, susceptibility to, 5. Last evaluated: 2025-12-21. Review status: criteria provided, single submitter. Criteria: Invitae Variant Classification Sherloc (09022015). Collection method: clinical testing. Allele origin: germline.
Comment: This sequence change replaces aspartic acid, which is acidic and polar, with glutamic acid, which is acidic and polar, at codon 1859 of the CACNA1S protein (p.Asp1859Glu). This variant is not present in population databases (gnomAD no frequency). This variant has not been reported in the literature in individuals affected with CACNA1S-related conditions. Invitae Evidence Modeling of protein sequence and biophysical properties (such as structural, functional, and spatial information, amino acid conservation, physicochemical variation, residue mobility, and thermodynamic stability) indicates that this missense variant is not expected to disrupt CACNA1S protein function with a negative predictive value of 95%. In summary, the available evidence is currently insufficient to determine the role of this variant in disease. Therefore, it has been classified as a Variant of Uncertain Significance.